The following is an entry in ClinVar:

NM_145290.4(ADGRA3):c.3238A>G (p.Asn1080Asp)

Gene: ADGRA3 (adhesion G protein-coupled receptor A3; minus strand). Cytogenetic location: 4p15.2.
Variant type: single nucleotide variant.
Coding change: c.3238A>G on transcript NM_145290.4 (MANE Select); coding-DNA position 3238, A replaced by G.
Protein change: p.Asn1080Asp; replaces asparagine 1080 with aspartic acid.
Molecular consequence: missense variant.
Genome position (GRCh38, 1-based): chr4:22,388,433, T>C on the plus strand (A>G on the coding strand, the complement: ADGRA3 is on the minus strand). VCF-style: chr4-22388433-T-C. GRCh37 (hg19) VCF-style: chr4-22390056-T-C.
Other names: short protein forms N1080D.
Identifiers: ClinVar variation 1926416 (VCV001926416.5), dbSNP rs1336114054, ClinGen allele CA356473368.

ClinVar aggregate classification (germline): Uncertain significance (1 of 4 stars; one submission).

Allele frequency attached by ClinVar (database versions not stated): gnomAD exomes below 0.00001; TOPMed below 0.00001.
gnomAD v4.1: 2 of 1,614,064 alleles (0.00012%); highest among the groups gnomAD compares: Admixed American, 0.0033%; no homozygotes.

Submission:

Labcorp Genetics (formerly Invitae), Labcorp
Classification: Uncertain significance. Last evaluated: 2022-08-20. Review status: criteria provided, single submitter. Criteria: Invitae Variant Classification Sherloc (09022015). Collection method: clinical testing. Allele origin: germline.
Comment: In summary, the available evidence is currently insufficient to determine the role of this variant in disease. Therefore, it has been classified as a Variant of Uncertain Significance. Algorithms developed to predict the effect of missense changes on protein structure and function (SIFT, PolyPhen-2, Align-GVGD) all suggest that this variant is likely to be tolerated. This variant has not been reported in the literature in individuals affected with ADGRA3-related conditions. This variant is present in population databases (no rsID available, gnomAD 0.006%). This sequence change replaces asparagine, which is neutral and polar, with aspartic acid, which is acidic and polar, at codon 1080 of the ADGRA3 protein (p.Asn1080Asp).